The following is an entry in ClinVar:

NM_000215.4(JAK3):c.2978+1G>C

Gene: JAK3 (Janus kinase 3; minus strand). Cytogenetic location: 19p13.11.
Variant type: single nucleotide variant.
Coding change: c.2978+1G>C on transcript NM_000215.4 (MANE Select); the canonical splice donor site of the intron after coding-DNA position 2978, G replaced by C.
Molecular consequence: splice donor variant.
Genome position (GRCh38, 1-based): chr19:17,831,227, C>G on the plus strand (G>C on the coding strand, the complement: JAK3 is on the minus strand). VCF-style: chr19-17831227-C-G. GRCh37 (hg19) VCF-style: chr19-17942036-C-G.
Other names: c.2978+1G>C (NM_000215.3).
Identifiers: ClinVar variation 2750516 (VCV002750516.4), dbSNP rs2514546031, ClinGen allele CA404765129.

ClinVar aggregate classification (germline): Likely pathogenic. Review status: criteria provided, multiple submitters, no conflicts (2 of 4 stars). 2 submissions from 2 submitters: Likely pathogenic (2). Last evaluated 2024-11-07.

Conditions:
T-B+ severe combined immunodeficiency due to JAK3 deficiency. Also called: SCID, T CELL-NEGATIVE, B CELL-POSITIVE, NK CELL-NEGATIVE; SCID, autosomal recessive, T-negative/B-positive type. Identifiers: Orphanet 35078, MedGen C1833275, MONDO:0010938, OMIM 600802.
JAK3-related disorder. Also called: JAK3-related condition.

gnomAD v4.1: 1 of 1,611,884 alleles (0.000062%); highest among the groups gnomAD compares: Admixed American, 0.0017%; no homozygotes.

Submissions (2):

PreventionGenetics, part of Exact Sciences
Classification: Likely pathogenic for JAK3-related condition. Last evaluated: 2024-11-07. Review status: criteria provided, single submitter. Criteria: ACMG Guidelines, 2015. Collection method: clinical testing. Allele origin: germline.
Comment: The JAK3 c.2978+1G>C variant is predicted to disrupt the GT donor site and interfere with normal splicing. To our knowledge, this variant has not been reported in the literature or in a large population database (gnomAD), indicating this variant is rare. Variants that disrupt the consensus splice donor site in JAK3 are expected to be pathogenic. This variant is interpreted as likely pathogenic.

Labcorp Genetics (formerly Invitae), Labcorp
Classification: Likely pathogenic for T-B+ severe combined immunodeficiency due to JAK3 deficiency. Last evaluated: 2024-08-12. Review status: criteria provided, single submitter. Criteria: Invitae Variant Classification Sherloc (09022015). Collection method: clinical testing. Allele origin: germline.
Comment: This sequence change affects a donor splice site in intron 21 of the JAK3 gene. It is expected to disrupt RNA splicing. Variants that disrupt the donor or acceptor splice site typically lead to a loss of protein function (PMID: 16199547), and loss-of-function variants in JAK3 are known to be pathogenic (PMID: 7481768, 11668621). This variant is not present in population databases (gnomAD no frequency). Disruption of this splice site has been observed in individual(s) with JAK3-related conditions (Invitae). Algorithms developed to predict the effect of sequence changes on RNA splicing suggest that this variant may disrupt the consensus splice site. In summary, the currently available evidence indicates that the variant is pathogenic, but additional data are needed to prove that conclusively. Therefore, this variant has been classified as Likely Pathogenic.

Literature cited by the submitters: PubMed 16199547 (cited by Labcorp Genetics (formerly Invitae), Labcorp); PubMed 7481768 (cited by Labcorp Genetics (formerly Invitae), Labcorp); PubMed 11668621 (cited by Labcorp Genetics (formerly Invitae), Labcorp).